The following is an entry in ClinVar:

NM_015141.4(GPD1L):c.925T>C (p.Tyr309His)

Gene: GPD1L (glycerol-3-phosphate dehydrogenase 1 like; plus strand). Cytogenetic location: 3p22.3.
Variant type: single nucleotide variant.
Coding change: c.925T>C on transcript NM_015141.4 (MANE Select); coding-DNA position 925, T replaced by C.
Protein change: p.Tyr309His; replaces tyrosine 309 with histidine.
Molecular consequence: missense variant.
Genome position (GRCh38, 1-based): chr3:32,159,640, T>C. VCF-style: chr3-32159640-T-C. GRCh37 (hg19) VCF-style: chr3-32201132-T-C.
Other names: short protein forms Y309H.
Identifiers: ClinVar variation 191448 (VCV000191448.1), dbSNP rs201275703, ClinGen allele CA236692.

ClinVar aggregate classification (germline): Uncertain significance (1 of 4 stars; one submission).

Allele frequency attached by ClinVar (database versions not stated): TOPMed below 0.00001; gnomAD exomes 0.00001 and below 0.00001.
gnomAD v4.1: 6 of 1,612,228 alleles (0.00037%); highest among the groups gnomAD compares: Non-Finnish European, 0.00051%; no homozygotes.

Submission:

Biesecker Lab/Clinical Genomics Section, National Institutes of Health
Classification: Uncertain significance. Last evaluated: 2013-06-24. Review status: criteria provided, single submitter. Criteria: Ng et al. (Circ Cardiovasc Genet. 2013). Collection method: research. Allele origin: unknown. Observed: 1 variant allele. Study: ClinSeq.
Comment: The study set was not selected for affection status in relation to any cancer. Pathogenicity categories were based on literature curation. See Pubmed ID:23861362 for details.

Medical sequencing